The following is an entry in ClinVar:

NM_033004.4(NLRP1):c.430T>C (p.Ser144Pro)

Gene: NLRP1 (NLR family pyrin domain containing 1; minus strand). Cytogenetic location: 17p13.2.
Variant type: single nucleotide variant.
Coding change: c.430T>C on transcript NM_033004.4 (MANE Select); coding-DNA position 430, T replaced by C.
Protein change: p.Ser144Pro; replaces serine 144 with proline.
Molecular consequence: missense variant.
Genome position (GRCh38, 1-based): chr17:5,582,688, A>G on the plus strand (T>C on the coding strand, the complement: NLRP1 is on the minus strand). VCF-style: chr17-5582688-A-G. GRCh37 (hg19) VCF-style: chr17-5486008-A-G.
Other names: c.430T>C, p.Ser144Pro (NM_033006.4, NM_033007.4, NM_001033053.3 and 1 more transcripts); c.430T>C (NM_033004.3); short protein forms S144P.
Identifiers: ClinVar variation 1397792 (VCV001397792.11), dbSNP rs199706211, ClinGen allele CA8327582.
Genomic context (GRCh38, chr17:5,582,688, plus strand): 5'-CAGCTCCACCCAGGGCTGTCAGCCTGCCTCAGCAAGCCTCACCTCTCCAGCGGCGTCCAG[A>G]TGTGTCAGGCAGCTGTCTCAAAACCCTTCTCTCTGAGCCCTGGGTGCACCCCGCCGGCAA-3'
Protein context (NP_127497.1, residues 134-154): RRVLRQLPDT[Ser144Pro]GRRWREISAS

ClinVar aggregate classification (germline): Uncertain significance. Review status: criteria provided, multiple submitters, no conflicts (2 of 4 stars). 3 submissions from 3 submitters: Uncertain significance (3). Last evaluated 2026-06-02.

Conditions:
Inborn genetic diseases. Identifiers: MedGen C0950123, MeSH D030342.

Allele frequency attached by ClinVar (database versions not stated): gnomAD exomes 0.00002 and 0.00003; ExAC 0.00003; TOPMed 0.00005; gnomAD 0.00005; ESP Exome Variant Server 0.00008.

Submissions (3):

Women's Health and Genetics/Laboratory Corporation of America, LabCorp
Classification: Uncertain significance. Last evaluated: 2026-06-02. Review status: criteria provided, single submitter. Criteria: LabCorp Variant Classification Summary - May 2015. Collection method: clinical testing. Allele origin: germline.
Comment: Variant summary: NLRP1 c.430T>C (p.Ser144Pro) results in a non-conservative amino acid change in the encoded protein sequence. Algorithms developed to predict the effect of missense changes on protein structure and function are either unavailable or do not agree on the potential impact of this missense change. The variant allele was found at a frequency of 2.4e-05 in 251212 control chromosomes. The available data on variant occurrences in the general population are insufficient to allow any conclusion about variant significance. To our knowledge, no occurrence of c.430T>C in individuals affected with NLRP1-related conditions and no experimental evidence demonstrating its impact on protein function have been reported. ClinVar contains an entry for this variant (Variation ID: 1397792). Based on the evidence outlined above, the variant was classified as uncertain significance.

Labcorp Genetics (formerly Invitae), Labcorp
Classification: Uncertain significance. Last evaluated: 2025-08-28. Review status: criteria provided, single submitter. Criteria: Invitae Variant Classification Sherloc (09022015). Collection method: clinical testing. Allele origin: germline.
Comment: This sequence change replaces serine, which is neutral and polar, with proline, which is neutral and non-polar, at codon 144 of the NLRP1 protein (p.Ser144Pro). This variant is present in population databases (rs199706211, gnomAD 0.008%). This variant has not been reported in the literature in individuals affected with NLRP1-related conditions. ClinVar contains an entry for this variant (Variation ID: 1397792). An algorithm developed to predict the effect of missense changes on protein structure and function (PolyPhen-2) suggests that this variant is likely to be tolerated. In summary, the available evidence is currently insufficient to determine the role of this variant in disease. Therefore, it has been classified as a Variant of Uncertain Significance.

Ambry Genetics
Classification: Uncertain significance for Inborn genetic diseases. Last evaluated: 2025-07-15. Review status: criteria provided, single submitter. Criteria: Ambry Variant Classification Scheme 2023. Collection method: clinical testing. Allele origin: germline.